The following is an entry in ClinVar:

ClinVar aggregate classification (germline): Pathogenic/Likely pathogenic. Review status: criteria provided, multiple submitters, no conflicts (2 of 4 stars). 2 submissions from 2 submitters: Pathogenic (1); Likely pathogenic (1). Last evaluated 2023-09-06.

Conditions:
Hereditary breast ovarian cancer syndrome. Also called: Breast and ovarian cancer; BRCA1- and BRCA2-Associated Hereditary Breast and Ovarian Cancer; Hereditary breast and ovarian cancer syndrome (HBOC); Hereditary breast and ovarian cancer; Hereditary breast and/or ovarian cancer syndrome; Hereditary breast and ovarian cancer syndrome. Identifiers: Orphanet 145, MedGen C0677776, MeSH D061325, MONDO:0003582. Disease mechanism: loss of function.
Hereditary cancer-predisposing syndrome. Also called: Tumor predisposition; Neoplastic Syndromes, Hereditary; Hereditary neoplastic syndrome; Hereditary Cancer Syndrome. Identifiers: Orphanet 140162, MedGen C0027672, MeSH D009386, MONDO:0015356.

Submissions (2):

Ambry Genetics
Classification: Pathogenic for Hereditary cancer-predisposing syndrome. Last evaluated: 2023-09-06. Review status: criteria provided, single submitter. Criteria: Ambry Variant Classification Scheme 2023. Collection method: clinical testing. Allele origin: germline.
Comment: The c.9254delC pathogenic mutation, located in coding exon 23 of the BRCA2 gene, results from a deletion of one nucleotide at nucleotide position 9254, causing a translational frameshift with a predicted alternate stop codon (p.T3085Kfs*19). This variant is considered to be rare based on population cohorts in the Genome Aggregation Database (gnomAD). This alteration is expected to result in loss of function by premature protein truncation or nonsense-mediated mRNA decay. As such, this alteration is interpreted as a disease-causing mutation.

Women's Health and Genetics/Laboratory Corporation of America, LabCorp
Classification: Likely pathogenic for Hereditary breast ovarian cancer syndrome. Last evaluated: 2017-05-01. Review status: criteria provided, single submitter. Criteria: LabCorp Variant Classification Summary - May 2015. Collection method: clinical testing. Allele origin: germline.
Comment: Variant summary: The BRCA2 c.9254delC (p.Thr3085Lysfs) variant results in a premature termination codon, predicted to cause a truncated or absent BRCA2 protein due to nonsense mediated decay, which are commonly known mechanisms for disease. Truncations downstream of this position have been classified as pathogenic by our laboratory (e.g. c.9294C>G (p.Tyr3098X), c.9331G>T (p.Glu3111X), and c.9382C>T (p.Arg3128X)). This variant is absent in 119814 control chromosomes (ExAC). The variant of interest has not, to our knowledge, been reported in affected individuals via publications and/or reputable databases/clinical diagnostic laboratories; nor evaluated for functional impact by in vivo/vitro studies. Taken together, this variant is classified as likely pathogenic.

NM_000059.4(BRCA2):c.9254del (p.Thr3085fs)

Gene: BRCA2 (BRCA2 DNA repair associated; plus strand). Cytogenetic location: 13q13.1.
Variant type: Deletion.
Coding change: c.9254del on transcript NM_000059.4 (MANE Select); coding-DNA position 9254, one base deleted (C; older notation c.9254delC).
Protein change: p.Thr3085fs; shifts the reading frame from threonine 3085.
Molecular consequence: frameshift variant.
Genome position (GRCh38, 1-based): chr13:32,380,143, C deleted. VCF-style (leftmost placement, unchanged base first): chr13-32380142-AC-A. GRCh37 (hg19) VCF-style: chr13-32954279-AC-A.
Other names: c.9254delC (NM_000059.3); short protein forms T3085fs.
Identifiers: ClinVar variation 495519 (VCV000495519.3), dbSNP rs1555288587, ClinGen allele CA658683861.